The following is an entry in ClinVar:

NM_080425.4(GNAS):c.748G>A (p.Asp250Asn)

Gene: GNAS (GNAS complex locus; plus strand). Cytogenetic location: 20q13.32.
Variant type: single nucleotide variant.
Coding change: c.748G>A on transcript NM_080425.4 (MANE Plus Clinical); coding-DNA position 748, G replaced by A.
Protein change: p.Asp250Asn; replaces aspartic acid 250 with asparagine.
Molecular consequence: missense variant. On other transcripts: synonymous variant (2), intron variant (3).
Genome position (GRCh38, 1-based): chr20:58,854,013, G>A. VCF-style: chr20-58854013-G-A. GRCh37 (hg19) VCF-style: chr20-57429068-G-A.
Other names: c.561G>A, p.Ser187= (NM_001077490.3, NM_001309883.1); c.748G>A, p.Asp250Asn (NM_001410913.1); c.*42+13127G>A (NM_016592.5); c.43+13127G>A (NM_001410912.1); c.-39+12138G>A (NM_001309861.2); short protein forms D250N.
Identifiers: ClinVar variation 1803875 (VCV001803875.3), dbSNP rs577687095, ClinGen allele CA9926538.

ClinVar aggregate classification (germline): Uncertain significance. Review status: criteria provided, single submitter (1 of 4 stars). 2 submissions from 2 submitters: Uncertain significance (1). 1 of the submissions does not count toward it. Last evaluated 2021-10-29.

Conditions:
GNAS-related disorder. Identifiers: MedGen CN380105.
Pseudohypoparathyroidism type 1C (PHP1C). Also called: PSEUDOHYPOPARATHYROIDISM, TYPE IC; PHP IC; Pseudohypoparathyroidism Ic (PHP-Ic). Identifiers: Orphanet 79444, MedGen C2932716, MONDO:0012911, OMIM 612462.
Pseudohypoparathyroidism type I A (PHP1A). Also called: Pseudohypoparathyroidism Ia (PHP-Ia); Pseudohypoparathyroidism Type IA; ALBRIGHT HEREDITARY OSTEODYSTROPHY WITH MULTIPLE HORMONE RESISTANCE; PHP IA; Pseudohypoparathyroidism type 1A. Identifiers: Orphanet 79443, MedGen C3494506, MONDO:0007078, OMIM 103580.
Pseudohypoparathyroidism type 1B (PHP1B). Also called: Pseudohypoparathyroidism Ib (PHP-Ib); PHP IB; Pseudohypoparathyroidism Type IB. Identifiers: Orphanet 94089, MedGen C1864100, MONDO:0011301, OMIM 603233.
Pseudopseudohypoparathyroidism (PPHP). Also called: ALBRIGHT HEREDITARY OSTEODYSTROPHY WITHOUT MULTIPLE HORMONE RESISTANCE; Pseudopseudohypoparathyroidism (PPHP). Identifiers: Orphanet 79445, MedGen C0033835, MONDO:0012912, OMIM 612463.

gnomAD v4.1: 8 of 1,611,472 alleles (0.0005%); highest among the groups gnomAD compares: Admixed American, 0.005%; no homozygotes.

Submissions (2):

New York Genome Center
Classification: Uncertain significance for Pseudohypoparathyroidism type I A; Pseudohypoparathyroidism type 1B; Pseudohypoparathyroidism type 1C; Pseudopseudohypoparathyroidism. Last evaluated: 2021-10-29. Review status: criteria provided, single submitter. Criteria: NYGC Assertion Criteria 2020. Collection method: clinical testing. Allele origin: germline. Observed: 1 heterozygote.

PreventionGenetics, part of Exact Sciences
Classification: Uncertain significance for GNAS-related condition. Last evaluated: 2023-11-08. Review status: no assertion criteria provided. Collection method: clinical testing. Allele origin: germline. Not counted in ClinVar's aggregate classification.
Comment: The GNAS c.748G>A variant is predicted to result in the amino acid substitution p.Asp250Asn. To our knowledge, this variant has not been reported in the literature. This variant is reported in 0.0059% of alleles in individuals of Latino descent in gnomAD. At this time, the clinical significance of this variant is uncertain due to the absence of conclusive functional and genetic evidence.